The following is an entry in ClinVar:

ClinVar aggregate classification (germline): Uncertain significance (1 of 4 stars; one submission).

Conditions:
Acrocallosal syndrome (ACLS). Also called: HALLUX DUPLICATION, POSTAXIAL POLYDACTYLY, AND ABSENCE OF CORPUS CALLOSUM; Schinzel syndrome 1; Absence of corpus callosum with unusual facial appearance, mental deficiency, duplication of the halluces and polydactyly. Identifiers: Orphanet 36, MedGen C0796147, MONDO:0008708, OMIM 200990.

Allele frequency attached by ClinVar (database versions not stated): TOPMed below 0.00001; gnomAD 0.00001; gnomAD exomes 0.00001.
gnomAD v4.1: 5 of 1,547,680 alleles (0.00032%); highest among the groups gnomAD compares: Non-Finnish European, 0.00044%; no homozygotes.

Submission:

Labcorp Genetics (formerly Invitae), Labcorp
Classification: Uncertain significance for Acrocallosal syndrome. Last evaluated: 2022-03-11. Review status: criteria provided, single submitter. Criteria: Invitae Variant Classification Sherloc (09022015). Collection method: clinical testing. Allele origin: germline.
Comment: This sequence change replaces leucine, which is neutral and non-polar, with phenylalanine, which is neutral and non-polar, at codon 260 of the KIF7 protein (p.Leu260Phe). This variant is not present in population databases (gnomAD no frequency). This variant has not been reported in the literature in individuals affected with KIF7-related conditions. Algorithms developed to predict the effect of missense changes on protein structure and function are either unavailable or do not agree on the potential impact of this missense change (SIFT: "Tolerated"; PolyPhen-2: "Possibly Damaging"; Align-GVGD: "Class C0"). In summary, the available evidence is currently insufficient to determine the role of this variant in disease. Therefore, it has been classified as a Variant of Uncertain Significance.

NM_198525.3(KIF7):c.778C>T (p.Leu260Phe)

Gene: KIF7 (kinesin family member 7; minus strand). Cytogenetic location: 15q26.1.
Variant type: single nucleotide variant.
Coding change: c.778C>T on transcript NM_198525.3 (MANE Select); coding-DNA position 778, C replaced by T.
Protein change: p.Leu260Phe; replaces leucine 260 with phenylalanine.
Molecular consequence: missense variant.
Genome position (GRCh38, 1-based): chr15:89,649,119, G>A on the plus strand (C>T on the coding strand, the complement: KIF7 is on the minus strand). VCF-style: chr15-89649119-G-A. GRCh37 (hg19) VCF-style: chr15-90192350-G-A.
Other names: short protein forms L260F.
Identifiers: ClinVar variation 2139269 (VCV002139269.3), dbSNP rs1420636784, ClinGen allele CA393774816.